The following is an entry in ClinVar:

ClinVar aggregate classification (germline): Uncertain significance. Review status: criteria provided, multiple submitters, no conflicts (2 of 4 stars). 2 submissions from 2 submitters: Uncertain significance (2). Last evaluated 2024-08-14.

Conditions:
Emery-Dreifuss muscular dystrophy 5, autosomal dominant (EDMD5). Also called: EMERY-DREIFUSS MUSCULAR DYSTROPHY 5. Identifiers: Orphanet 261, MedGen C2751805, MONDO:0013072, OMIM 612999.

Allele frequency attached by ClinVar (database versions not stated): gnomAD exomes below 0.00001.
gnomAD v4.1: 1 of 1,614,114 alleles (0.000062%); highest among the groups gnomAD compares: Non-Finnish European, 0.000085%; no homozygotes.

Submissions (2):

Labcorp Genetics (formerly Invitae), Labcorp
Classification: Uncertain significance for Emery-Dreifuss muscular dystrophy 5, autosomal dominant. Last evaluated: 2024-08-14. Review status: criteria provided, single submitter. Criteria: Invitae Variant Classification Sherloc (09022015). Collection method: clinical testing. Allele origin: germline.
Comment: This sequence change replaces valine, which is neutral and non-polar, with glutamic acid, which is acidic and polar, at codon 4566 of the SYNE2 protein (p.Val4566Glu). This variant is not present in population databases (gnomAD no frequency). This variant has not been reported in the literature in individuals affected with SYNE2-related conditions. ClinVar contains an entry for this variant (Variation ID: 2540662). An algorithm developed to predict the effect of missense changes on protein structure and function (PolyPhen-2) suggests that this variant is likely to be tolerated. In summary, the available evidence is currently insufficient to determine the role of this variant in disease. Therefore, it has been classified as a Variant of Uncertain Significance.

Ambry Genetics
Classification: Uncertain significance. Last evaluated: 2023-04-25. Review status: criteria provided, single submitter. Criteria: Ambry Variant Classification Scheme 2023. Collection method: clinical testing. Allele origin: germline.

NM_182914.3(SYNE2):c.13697T>A (p.Val4566Glu)

Gene: SYNE2 (spectrin repeat containing nuclear envelope protein 2; plus strand). Cytogenetic location: 14q23.2.
Variant type: single nucleotide variant.
Coding change: c.13697T>A on transcript NM_182914.3 (MANE Select); coding-DNA position 13697, T replaced by A.
Protein change: p.Val4566Glu; replaces valine 4566 with glutamic acid.
Molecular consequence: missense variant.
Genome position (GRCh38, 1-based): chr14:64,126,469, T>A. VCF-style: chr14-64126469-T-A. GRCh37 (hg19) VCF-style: chr14-64593187-T-A.
Other names: c.13697T>A, p.Val4566Glu (NM_015180.6); short protein forms V4566E.
Identifiers: ClinVar variation 2540662 (VCV002540662.4), dbSNP rs2097946367, ClinGen allele CA389970920.